The following is an entry in ClinVar:

NM_001040142.2(SCN2A):c.2703G>C (p.Gln901His)

Gene: SCN2A (sodium voltage-gated channel alpha subunit 2; plus strand). Cytogenetic location: 2q24.3.
Variant type: single nucleotide variant.
Coding change: c.2703G>C on transcript NM_001040142.2 (MANE Select); coding-DNA position 2703, G replaced by C.
Protein change: p.Gln901His; replaces glutamine 901 with histidine.
Molecular consequence: missense variant.
Genome position (GRCh38, 1-based): chr2:165,344,695, G>C. VCF-style: chr2-165344695-G-C. GRCh37 (hg19) VCF-style: chr2-166201205-G-C.
Other names: c.2703G>C, p.Gln901His (NM_001040143.2, NM_001371246.1, NM_001371247.1 and 1 more transcripts); short protein forms Q901H.
Identifiers: ClinVar variation 2671798 (VCV002671798.1), dbSNP rs2468007673, ClinGen allele CA349014595.

ClinVar aggregate classification (germline): Uncertain significance (1 of 4 stars; one submission).

Conditions:
Developmental and epileptic encephalopathy, 11 (DEE11). Also called: Early infantile epileptic encephalopathy 11. Identifiers: Orphanet 1934, MedGen C3150987, MONDO:0013388, OMIM 613721.

Submission:

Neuberg Centre For Genomic Medicine, NCGM
Classification: Uncertain significance for Developmental and epileptic encephalopathy, 11. Last evaluated: 2023-03-01. Review status: criteria provided, single submitter. Criteria: ACMG Guidelines, 2015. Collection method: clinical testing. Allele origin: germline. Inheritance: Autosomal dominant inheritance. Affected: yes.
Comment: The missense c.2703G>C (p.Gln901His) variant in SCN2A gene has not been reported previously as a pathogenic variant nor as a benign variant, to our knowledge. The p.Gln901His variant has is novel (not in any individuals) in gnomAD Exomes and 1000 Genomes. This variant has not been reported to the ClinVar database. The amino acid change p.Gln901His in SCN2A is predicted as conserved by GERP++ and PhyloP across 100 vertebrates. The amino acid Gln at position 901 is changed to a His changing protein sequence and it might alter its composition and physico-chemical properties. For these reasons, this variant has been classified as Variant of Uncertain Significance (VUS).